The following is an entry in ClinVar:

ClinVar aggregate classification (germline): Likely pathogenic (1 of 4 stars; one submission).

Conditions:
RASA1-related disorder. Also called: RASA1-related condition.

Submission:

PreventionGenetics, part of Exact Sciences
Classification: Likely pathogenic for RASA1-related condition. Last evaluated: 2023-04-02. Review status: criteria provided, single submitter. Criteria: ACMG Guidelines, 2015. Collection method: clinical testing. Allele origin: germline.
Comment: The RASA1 c.1486delA variant is predicted to result in a frameshift and premature protein termination (p.Ile496Serfs*2). To our knowledge, this variant has not been reported in the literature or in a large population database, indicating this variant is rare. Frameshift variants in RASA1 are expected to be pathogenic. This variant is interpreted as likely pathogenic.

NM_002890.3(RASA1):c.1486del (p.Ile496fs)

Genes: CCNH (cyclin H; minus strand), RASA1 (RAS p21 protein activator 1; plus strand). Cytogenetic location: 5q14.3.
Variant type: Deletion.
Coding change: c.1486del on transcript NM_002890.3 (MANE Select); coding-DNA position 1486, one base deleted (A; older notation c.1486delA).
Protein change: p.Ile496fs; shifts the reading frame from isoleucine 496.
Molecular consequence: frameshift variant. On other transcripts: intron variant (1).
Genome position (GRCh38, 1-based): chr5:87,363,380, A deleted. VCF-style (leftmost placement, unchanged base first): chr5-87363379-TA-T. GRCh37 (hg19) VCF-style: chr5-86659196-TA-T.
Other names: c.955del, p.Ile319fs (NM_022650.3); c.933+31664del (NM_001364075.2); short protein forms I319fs, I496fs.
Identifiers: ClinVar variation 2633354 (VCV002633354.1), dbSNP rs2531304601, ClinGen allele CA2695198701.
Genomic context (GRCh38, chr5:87,363,379, plus strand): 5'-AAGAGAAAACAATTTTTTTTTTTAAACAGGCAAAGGAAAACGTTGGAAAAATTTATATTT[TA>T]TCTTAGAGGGTAGTGATGCCCAACTTATTTATTTTGAAAGCGAAAAACGAGCTACCAAAC-3'